The following is an entry in ClinVar:

NM_018006.5(TRMU):c.30C>T (p.Ala10=)

Gene: TRMU (tRNA mitochondrial 2-thiouridylase; plus strand). Cytogenetic location: 22q13.31.
Variant type: single nucleotide variant.
Coding change: c.30C>T on transcript NM_018006.5 (MANE Select); coding-DNA position 30, C replaced by T.
Protein change: p.Ala10=; no amino-acid change (alanine 10 retained).
Molecular consequence: synonymous variant. On other transcripts: 5 prime UTR variant (3), non-coding transcript variant (2).
Genome position (GRCh38, 1-based): chr22:46,335,794, C>T. VCF-style: chr22-46335794-C-T. GRCh37 (hg19) VCF-style: chr22-46731691-C-T.
Other names: c.-206C>T (NM_001282782.2); c.-225C>T (NM_001282783.2, NM_001282784.2); c.30C>T, p.Ala10= (NM_001282785.2).
Identifiers: ClinVar variation 596251 (VCV000596251.18), dbSNP rs776692221, ClinGen allele CA10291909.

ClinVar aggregate classification (germline): Conflicting classifications of pathogenicity. Review status: criteria provided, conflicting classifications (1 of 4 stars). 4 submissions from 4 submitters: Uncertain significance (2); Likely benign (2). Last evaluated 2026-01-18.

Conditions:
TRMU-related disorder. Also called: TRMU-related condition.

Allele frequency attached by ClinVar (database versions not stated): ExAC below 0.00001; gnomAD exomes 0.00002; gnomAD 0.00004; TOPMed 0.00005.
gnomAD v4.1: 185 of 1,562,306 alleles (0.012%); highest among the groups gnomAD compares: Non-Finnish European, 0.015%; no homozygotes.

Submissions (4):

Labcorp Genetics (formerly Invitae), Labcorp
Classification: Likely benign. Last evaluated: 2026-01-18. Review status: criteria provided, single submitter. Criteria: Invitae Variant Classification Sherloc (09022015). Collection method: clinical testing. Allele origin: germline.

PreventionGenetics, part of Exact Sciences
Classification: Likely benign for TRMU-related condition. Last evaluated: 2025-06-24. Review status: criteria provided, single submitter. Criteria: ACMG Guidelines, 2015. Collection method: clinical testing. Allele origin: germline.
Comment: This variant is classified as likely benign based on ACMG/AMP sequence variant interpretation guidelines (Richards et al. 2015 PMID: 25741868, with internal and published modifications).

GeneDx
Classification: Uncertain significance. Last evaluated: 2025-03-12. Review status: criteria provided, single submitter. Criteria: GeneDx Variant Classification Process June 2021. Collection method: clinical testing. Allele origin: germline. Affected: yes.
Comment: Not observed at significant frequency in large population cohorts (gnomAD); In silico analysis indicates that this variant does not alter splicing; Has not been previously published as pathogenic or benign to our knowledge

Eurofins Ntd Llc (ga)
Classification: Uncertain significance. Last evaluated: 2018-02-22. Review status: criteria provided, single submitter. Criteria: EGL ClinVar v180209 classification definitions. Collection method: clinical testing. Allele origin: germline. Observed: 1 variant allele, 1 heterozygote.